The following is an entry in ClinVar:

NM_002397.5(MEF2C):c.258+155T>G

Gene: MEF2C (myocyte enhancer factor 2C; minus strand). Cytogenetic location: 5q14.3.
Variant type: single nucleotide variant.
Coding change: c.258+155T>G on transcript NM_002397.5 (MANE Select); 155 bases into the intron after coding-DNA position 258, T replaced by G.
Molecular consequence: intron variant.
Genome position (GRCh38, 1-based): chr5:88,804,443, A>C on the plus strand (T>G on the coding strand, the complement: MEF2C is on the minus strand). VCF-style: chr5-88804443-A-C. GRCh37 (hg19) VCF-style: chr5-88100260-A-C.
Other names: c.258+155T>G (NM_001364329.2, NM_001364330.2, NM_001364333.2 and 29 more transcripts).
Identifiers: ClinVar variation 677000 (VCV000677000.1), dbSNP rs3850650, ClinGen allele CA122616675.
Genomic context (GRCh38, chr5:88,804,443, plus strand): 5'-GATCTTACATGGTCTCTATCATCACATCACTCTAACTTTTGAAGGGGAGAGAAAAGGTGG[A>C]GTAAGAGTTGCGATAGATAATAATCCTGGGTCTATCTATGGGACTATGAACATCTTAAGA-3'

ClinVar aggregate classification (germline): Benign (1 of 4 stars; one submission).

Allele frequency attached by ClinVar (database versions not stated): gnomAD 0.02169 and 0.02322; TOPMed 0.03220; 1000 Genomes Project 0.04213; 1000 Genomes Project 30x 0.04294.
gnomAD v4.1: 15,334 of 631,036 alleles (2.4%); highest among the groups gnomAD compares: Admixed American, 17%; 1,202 homozygotes.

Submission:

GeneDx
Classification: Benign. Last evaluated: 2018-06-18. Review status: criteria provided, single submitter. Criteria: GeneDx Variant Classification (06012015). Collection method: clinical testing. Allele origin: germline. Affected: yes.
Comment: This variant is considered likely benign or benign based on one or more of the following criteria: it is a conservative change, it occurs at a poorly conserved position in the protein, it is predicted to be benign by multiple in silico algorithms, and/or has population frequency not consistent with disease.